The following is an entry in ClinVar:

NM_000051.4(ATM):c.3501C>T (p.Ile1167=)

Gene: ATM (ATM serine/threonine kinase; plus strand). Cytogenetic location: 11q22.3.
Variant type: single nucleotide variant.
Coding change: c.3501C>T on transcript NM_000051.4 (MANE Select); coding-DNA position 3501, C replaced by T.
Protein change: p.Ile1167=; no amino-acid change (isoleucine 1167 retained).
Molecular consequence: synonymous variant.
Genome position (GRCh38, 1-based): chr11:108,281,093, C>T. VCF-style: chr11-108281093-C-T. GRCh37 (hg19) VCF-style: chr11-108151820-C-T.
Other names: c.3501C>T, p.Ile1167= (NM_001351834.2).
Identifiers: ClinVar variation 453471 (VCV000453471.12), dbSNP rs1555091279, ClinGen allele CA476672900.

ClinVar aggregate classification (germline): Benign/Likely benign. Review status: criteria provided, multiple submitters, no conflicts (2 of 4 stars). 3 submissions from 3 submitters: Benign (1); Likely benign (2). Last evaluated 2024-05-14.

Conditions:
Hereditary cancer-predisposing syndrome. Also called: Tumor predisposition; Hereditary Cancer Syndrome; Neoplastic Syndromes, Hereditary; Hereditary neoplastic syndrome. Identifiers: Orphanet 140162, MedGen C0027672, MeSH D009386, MONDO:0015356.
Familial cancer of breast. Also called: Hereditary breast cancer; hereditary breast carcinoma; BREAST CANCER, FAMILIAL. Identifiers: Orphanet 227535, MedGen C0346153, MONDO:0016419, OMIM 114480. Disease mechanism: loss of function.
Ataxia-telangiectasia syndrome (AT). Also called: Cerebello-oculocutaneous telangiectasia; Immunodeficiency with ataxia telangiectasia; Ataxia-telangiectasia, complementation group D; AT, COMPLEMENTATION GROUP C; Ataxia-telangiectasia, complementation group E; LOUIS-BAR SYNDROME. Identifiers: Orphanet 100, MedGen C0004135, MONDO:0008840, OMIM 208900.

Submissions (3):

Myriad Genetics, Inc.
Classification: Benign for Familial cancer of breast. Last evaluated: 2024-05-14. Review status: criteria provided, single submitter. Criteria: Myriad Autosomal Dominant, Autosomal Recessive and X-Linked Classification Criteria (2023). Collection method: clinical testing. Allele origin: unknown.
Comment: This variant is considered benign. This variant is a silent/synonymous amino acid change and it is not expected to impact splicing.

Labcorp Genetics (formerly Invitae), Labcorp
Classification: Likely benign for Ataxia-telangiectasia syndrome. Last evaluated: 2022-09-01. Review status: criteria provided, single submitter. Criteria: Invitae Variant Classification Sherloc (09022015). Collection method: clinical testing. Allele origin: germline.

Color Diagnostics, LLC DBA Color Health
Classification: Likely benign for Hereditary cancer-predisposing syndrome. Last evaluated: 2017-11-20. Review status: criteria provided, single submitter. Criteria: ACMG Guidelines, 2015. Collection method: clinical testing. Allele origin: germline.